The following is an entry in ClinVar:

ClinVar aggregate classification (germline): Uncertain significance (1 of 4 stars; one submission).

Allele frequency attached by ClinVar (database versions not stated): ExAC 0.00001; gnomAD 0.00003.
gnomAD v4.1: 6 of 1,610,162 alleles (0.00037%); highest among the groups gnomAD compares: African/African-American, 0.008%; no homozygotes.

Submission:

Labcorp Genetics (formerly Invitae), Labcorp
Classification: Uncertain significance. Last evaluated: 2022-03-05. Review status: criteria provided, single submitter. Criteria: Invitae Variant Classification Sherloc (09022015). Collection method: clinical testing. Allele origin: germline.
Comment: This sequence change replaces glutamic acid, which is acidic and polar, with lysine, which is basic and polar, at codon 93 of the GFER protein (p.Glu93Lys). The frequency data for this variant in the population databases is considered unreliable, as metrics indicate poor data quality at this position in the gnomAD database. This variant has not been reported in the literature in individuals affected with GFER-related conditions. Algorithms developed to predict the effect of missense changes on protein structure and function (SIFT, PolyPhen-2, Align-GVGD) all suggest that this variant is likely to be tolerated. In summary, the available evidence is currently insufficient to determine the role of this variant in disease. Therefore, it has been classified as a Variant of Uncertain Significance.

NM_005262.3(GFER):c.277G>A (p.Glu93Lys)

Gene: GFER (growth factor, augmenter of liver regeneration; plus strand). Cytogenetic location: 16p13.3.
Variant type: single nucleotide variant.
Coding change: c.277G>A on transcript NM_005262.3 (MANE Select); coding-DNA position 277, G replaced by A.
Protein change: p.Glu93Lys; replaces glutamic acid 93 with lysine.
Molecular consequence: missense variant.
Genome position (GRCh38, 1-based): chr16:1,984,765, G>A. VCF-style: chr16-1984765-G-A. GRCh37 (hg19) VCF-style: chr16-2034766-G-A.
Other names: short protein forms E93K.
Identifiers: ClinVar variation 1937560 (VCV001937560.5), dbSNP rs762907502, ClinGen allele CA7826005.